The following is an entry in ClinVar:

NM_005419.4(STAT2):c.2325A>G (p.Pro775=)

Gene: STAT2 (signal transducer and activator of transcription 2; minus strand). Cytogenetic location: 12q13.3.
Variant type: single nucleotide variant.
Coding change: c.2325A>G on transcript NM_005419.4 (MANE Select); coding-DNA position 2325, A replaced by G.
Protein change: p.Pro775=; no amino-acid change (proline 775 retained).
Molecular consequence: synonymous variant.
Genome position (GRCh38, 1-based): chr12:56,343,913, T>C on the plus strand (A>G on the coding strand, the complement: STAT2 is on the minus strand). VCF-style: chr12-56343913-T-C. GRCh37 (hg19) VCF-style: chr12-56737697-T-C.
Other names: c.2292A>G, p.Pro764= (NM_001385110.1); c.2226A>G, p.Pro742= (NM_001385111.1); c.2325A>G, p.Pro775= (NM_001385113.1); c.2304A>G, p.Pro768= (NM_001385114.1); c.2283A>G, p.Pro761= (NM_001385115.1); c.2313A>G, p.Pro771= (NM_198332.2).
Identifiers: ClinVar variation 4823322 (VCV004823322.4).
Genomic context (GRCh38, chr12:56,343,913, plus strand): 5'-CAGATCACAGGGCAAATCTGGCTCTGGCACTGGCTGTGATACAGGTCCTTGGTCTGGCTC[T>C]GGCACTGTTTGTGATACCATGCATAGTGTGGGCTCTATCACAGGCTCCAGAGTGGACTCC-3'
Protein context (NP_005410.1, residues 765-785): PTLCMVSQTV[Pro775=]EPDQGPVSQP

ClinVar aggregate classification (germline): Likely benign (1 of 4 stars; one submission).

Submission:

CeGaT Center for Human Genetics Tuebingen
Classification: Likely benign. Last evaluated: 2026-02-01. Review status: criteria provided, single submitter. Criteria: CeGaT Center For Human Genetics Tuebingen Variant Classification Criteria Version 2. Collection method: clinical testing. Allele origin: germline. Affected: yes. Observed: 1 variant allele.
Comment: STAT2: PM2:Supporting, BP4, BP7